The following is an entry in ClinVar:

NM_001374385.1(ATP8B1):c.2312A>G (p.Asn771Ser)

Genes: ATP8B1 (ATPase phospholipid transporting 8B1; minus strand), ATP8B1-AS1 (ATP8B1 antisense RNA 1; plus strand). Cytogenetic location: 18q21.31.
Variant type: single nucleotide variant.
Coding change: c.2312A>G on transcript NM_001374385.1 (MANE Select); coding-DNA position 2312, A replaced by G.
Protein change: p.Asn771Ser; replaces asparagine 771 with serine.
Molecular consequence: missense variant.
Genome position (GRCh38, 1-based): chr18:57,662,589, T>C on the plus strand (A>G on the coding strand, the complement: ATP8B1 is on the minus strand). VCF-style: chr18-57662589-T-C. GRCh37 (hg19) VCF-style: chr18-55329821-T-C.
Other names: c.2162A>G, p.Asn721Ser (NM_001374386.1); c.2312A>G, p.Asn771Ser (NM_005603.6); short protein forms N721S, N771S.
Identifiers: ClinVar variation 3349740 (VCV003349740.2).

ClinVar aggregate classification (germline): Uncertain significance. Review status: criteria provided, single submitter (1 of 4 stars). 2 submissions from 2 submitters: Uncertain significance (1). 1 of the submissions does not count toward it. Last evaluated 2025-12-10.

Conditions:
ATP8B1-related disorder. Also called: ATP8B1-related condition; ATP8B1-related disorders.

gnomAD v4.1: 1 of 1,614,154 alleles (0.000062%); no homozygotes.

Submissions (2):

Women's Health and Genetics/Laboratory Corporation of America, LabCorp
Classification: Uncertain significance. Last evaluated: 2025-12-10. Review status: criteria provided, single submitter. Criteria: LabCorp Variant Classification Summary - May 2015. Collection method: clinical testing. Allele origin: germline.
Comment: Variant summary: ATP8B1 c.2312A>G (p.Asn771Ser) results in a conservative amino acid change in the encoded protein sequence. Algorithms developed to predict the effect of missense changes on protein structure and function are either unavailable or do not agree on the potential impact of this missense change. The variant was absent in 251464 control chromosomes. The available data on variant occurrences in the general population are insufficient to allow any conclusion about variant significance. To our knowledge, no occurrence of c.2312A>G in individuals affected with ATP8B1-related conditions and no experimental evidence demonstrating its impact on protein function have been reported. ClinVar contains an entry for this variant (Variation ID: 3349740). Based on the evidence outlined above, the variant was classified as uncertain significance.

PreventionGenetics, part of Exact Sciences
Classification: Uncertain significance for ATP8B1-related condition. Last evaluated: 2024-06-19. Review status: no assertion criteria provided. Collection method: clinical testing. Allele origin: germline. Not counted in ClinVar's aggregate classification.
Comment: The ATP8B1 c.2312A>G variant is predicted to result in the amino acid substitution p.Asn771Ser. To our knowledge, this variant has not been reported in the literature or in a large population database, indicating this variant is rare. At this time, the clinical significance of this variant is uncertain due to the absence of conclusive functional and genetic evidence.